The following is an entry in ClinVar:

ClinVar aggregate classification (germline): Pathogenic/Likely pathogenic. Review status: criteria provided, multiple submitters, no conflicts (2 of 4 stars). 2 submissions from 2 submitters: Pathogenic (1); Likely pathogenic (1). Last evaluated 2022-06-02.

Conditions:
Lynch syndrome. Identifiers: Orphanet 144, MedGen C4552100, MONDO:0005835. Disease mechanism: loss of function.
Hereditary cancer-predisposing syndrome. Also called: Neoplastic Syndromes, Hereditary; Tumor predisposition; Hereditary Cancer Syndrome; Hereditary neoplastic syndrome. Identifiers: Orphanet 140162, MedGen C0027672, MeSH D009386, MONDO:0015356.

Allele frequency attached by ClinVar (database versions not stated): gnomAD exomes below 0.00001.
gnomAD v4.1: 1 of 1,602,148 alleles (0.000062%); highest among the groups gnomAD compares: African/African-American, 0.0013%; no homozygotes.

Submissions (2):

Ambry Genetics
Classification: Pathogenic for Hereditary cancer-predisposing syndrome. Last evaluated: 2022-06-02. Review status: criteria provided, single submitter. Criteria: Ambry Variant Classification Scheme 2023. Collection method: clinical testing. Allele origin: germline.
Comment: The p.E102* pathogenic mutation (also known as c.304G>T), located in coding exon 4 of the PMS2 gene, results from a G to T substitution at nucleotide position 304. This changes the amino acid from a glutamic acid to a stop codon within coding exon 4. This alteration is expected to result in loss of function by premature protein truncation or nonsense-mediated mRNA decay. As such, this alteration is interpreted as a disease-causing mutation.

Laboratory for Molecular Medicine, Mass General Brigham Personalized Medicine
Classification: Likely pathogenic for Lynch syndrome. Last evaluated: 2019-05-08. Review status: criteria provided, single submitter. Criteria: ACMG Guidelines, 2015. Collection method: clinical testing. Allele origin: germline.
Comment: The p.Glu102X variant in PMS2 has not been previously reported in individuals with Lynch syndrome and was absent from large population studies. This nonsense variant leads to a premature termination codon at position 102, which is predicted to lead to a truncated or absent protein. Loss of function of the PMS2 gene is an established disease mechanism in autosomal dominant Lynch syndrome. In summary, although additional studies are required to fully establish its clinical significance, this variant meets criteria to be classified as likely pathogenic for autosomal dominant Lynch syndrome. ACMG/AMP Criteria applied: PVS1, PM2.

NM_000535.7(PMS2):c.304G>T (p.Glu102Ter)

Gene: PMS2 (PMS1 homolog 2, mismatch repair system component; minus strand). Cytogenetic location: 7p22.1.
Variant type: single nucleotide variant.
Coding change: c.304G>T on transcript NM_000535.7 (MANE Select); coding-DNA position 304, G replaced by T.
Protein change: p.Glu102Ter; replaces glutamic acid 102 with a stop codon.
Molecular consequence: nonsense. On other transcripts: 5 prime UTR variant (9), non-coding transcript variant (1), intron variant (2).
Genome position (GRCh38, 1-based): chr7:6,003,739, C>A on the plus strand (G>T on the coding strand, the complement: PMS2 is on the minus strand). VCF-style: chr7-6003739-C-A. GRCh37 (hg19) VCF-style: chr7-6043370-C-A.
Other names: c.-102G>T (NM_001018040.1, NM_001322003.2, NM_001322004.2 and 14 more transcripts); c.304G>T, p.Glu102Ter (NM_001322006.2, NM_001322014.2, NM_001406869.1 and 8 more transcripts); c.-581G>T (NM_001322011.2, NM_001322012.2); c.-181G>T (NM_001322015.2, NM_001406875.1, NM_001406877.1 and 3 more transcripts); c.490G>T, p.Glu164Ter (NM_001406866.1); c.328G>T, p.Glu110Ter (NM_001406868.1); c.-92G>T (NM_001406890.1); c.35+233G>T (NM_001322008.2, NM_001322007.2); short protein forms E102*, E164*, E110*.
Identifiers: ClinVar variation 1799255 (VCV001799255.3), dbSNP rs2128826930, ClinGen allele CA366744619.